The following is an entry in ClinVar:

NM_012243.3(SLC35A3):c.711dup (p.Gln238fs)

Gene: SLC35A3 (solute carrier family 35 member A3; plus strand). Cytogenetic location: 1p21.2.
Variant type: Duplication.
Coding change: c.711dup on transcript NM_012243.3 (MANE Select); coding-DNA position 711, one base duplicated (T; older notation c.711dupT).
Protein change: p.Gln238fs; shifts the reading frame from glutamine 238.
Molecular consequence: frameshift variant. On other transcripts: intron variant (1).
Genome position (GRCh38, 1-based): chr1:100,015,378, T duplicated; the last of 6 consecutive T bases (chr1:100,015,373-100,015,378); duplicating any one gives the same sequence. VCF-style (leftmost placement, unchanged base first): chr1-100015372-A-AT. GRCh37 (hg19) VCF-style: chr1-100480928-A-AT.
Other names: c.711dupT (NM_012243.2); c.837dup, p.Gln280fs (NM_001271685.2); c.634+3845dup (NM_001271684.2); short protein forms Q238fs, Q280fs.
Identifiers: ClinVar variation 1070256 (VCV001070256.6), dbSNP rs1316448163, ClinGen allele CA884419642.

ClinVar aggregate classification (germline): Pathogenic/Likely pathogenic. Review status: criteria provided, multiple submitters, no conflicts (2 of 4 stars). 2 submissions from 2 submitters: Pathogenic (1); Likely pathogenic (1). Last evaluated 2025-11-17.

Conditions:
Autism spectrum disorder - epilepsy - arthrogryposis syndrome (AMRS). Identifiers: Orphanet 370943, MedGen C3809910, MONDO:0014248, OMIM 615553.

Submissions (2):

Natera, Inc.
Classification: Likely pathogenic for Arthrogryposis, mental retardation, and seizures. Last evaluated: 2025-11-17. Review status: criteria provided, single submitter. Criteria: Natera Variant Classification Schema (03/2026). Collection method: clinical testing. Allele origin: germline.
Comment: The c.711dupT variant in SLC35A3 is a frameshift variant predicted to shift the reading frame beginning at codon 238 and leads to a stop codon 4 codons downstream. This variant is expected to result in nonsense mediated decay, truncation, or a dysfunctional protein product. This variant is rare in the general population with a frequency below the threshold expected for the associated phenotype(s). Given the available evidence, this variant is classified as Likely Pathogenic.

Labcorp Genetics (formerly Invitae), Labcorp
Classification: Pathogenic for Autism spectrum disorder - epilepsy - arthrogryposis syndrome. Last evaluated: 2022-12-02. Review status: criteria provided, single submitter. Criteria: Invitae Variant Classification Sherloc (09022015). Collection method: clinical testing. Allele origin: germline.
Comment: For these reasons, this variant has been classified as Pathogenic. ClinVar contains an entry for this variant (Variation ID: 1070256). This variant has not been reported in the literature in individuals affected with SLC35A3-related conditions. This sequence change creates a premature translational stop signal (p.Gln238Serfs*4) in the SLC35A3 gene. It is expected to result in an absent or disrupted protein product. Loss-of-function variants in SLC35A3 are known to be pathogenic (PMID: 24031089, 28328131). This variant is not present in population databases (gnomAD no frequency).

Literature cited by the submitters: PubMed 24031089 (cited by Labcorp Genetics (formerly Invitae), Labcorp); PubMed 28328131 (cited by Labcorp Genetics (formerly Invitae), Labcorp).